The following is an entry in ClinVar:

ClinVar aggregate classification (germline): Uncertain significance (1 of 4 stars; one submission).

Conditions:
Malignant hyperthermia, susceptibility to, 1 (MHS1). Also called: Anesthesia related hyperthermia; Malignant hyperpyrexia; Fulminating hyperpyrexia; Pharmacogenic myopathy; RYR1-Related Malignant Hyperthermia Susceptibility; Malignant hyperthermia suceptibility 1. Identifiers: Orphanet 423, MedGen C2930980, MONDO:0007783, OMIM 145600.

Allele frequency attached by ClinVar (database versions not stated): gnomAD exomes below 0.00001.
gnomAD v4.1: 1 of 1,560,412 alleles (0.000064%); highest among the groups gnomAD compares: Admixed American, 0.0019%; no homozygotes.

Submission:

All of Us Research Program, National Institutes of Health
Classification: Uncertain significance for Malignant hyperthermia, susceptibility to, 1. Last evaluated: 2024-08-06. Review status: criteria provided, single submitter. Criteria: ACMG Guidelines, 2015. Collection method: clinical testing. Allele origin: germline. Inheritance: Autosomal dominant inheritance. Observed: 2 variant alleles, 2 heterozygotes.
Comment: This missense variant replaces proline with serine at codon 1586 of the RYR1 protein. Computational prediction suggests that this variant may not impact protein structure and function (internally defined REVEL score threshold <= 0.6, PMID: 27666373). To our knowledge, functional studies have not been reported for this variant. This variant has not been reported in individuals affected with RYR1-related disorders in the literature. This variant has not been identified in the general population by the Genome Aggregation Database (gnomAD). The available evidence is insufficient to determine the role of this variant in disease conclusively. Therefore, this variant is classified as a Variant of Uncertain Significance.

This study involves interpretation of variants in research participants for the purpose of population health screening. Participant phenotype was not available at the time of variant classification. Additional details can be found in publication PMID: 35346344, PMCID: PMC8962531

NM_000540.3(RYR1):c.4756C>T (p.Pro1586Ser)

Gene: RYR1 (ryanodine receptor 1; plus strand). Cytogenetic location: 19q13.2.
Variant type: single nucleotide variant.
Coding change: c.4756C>T on transcript NM_000540.3 (MANE Select); coding-DNA position 4756, C replaced by T.
Protein change: p.Pro1586Ser; replaces proline 1586 with serine.
Molecular consequence: missense variant.
Genome position (GRCh38, 1-based): chr19:38,483,338, C>T. VCF-style: chr19-38483338-C-T. GRCh37 (hg19) VCF-style: chr19-38973978-C-T.
Other names: c.4756C>T, p.Pro1586Ser (NM_001042723.2); short protein forms P1586S.
Identifiers: ClinVar variation 3074891 (VCV003074891.2), dbSNP rs2514213437, ClinGen allele CA405650332.